The following is an entry in ClinVar:

ClinVar aggregate classification (germline): Uncertain significance. Review status: criteria provided, multiple submitters, no conflicts (2 of 4 stars). 2 submissions from 2 submitters: Uncertain significance (2). Last evaluated 2025-08-16.

Conditions:
DK1-congenital disorder of glycosylation. Also called: DOLK-congenital disorder of glycosylation; Carbohydrate deficient glycoprotein syndrome type 1m; DK1-CDG; CONGENITAL DISORDER OF GLYCOSYLATION, TYPE Im; CDG Im; DK1 DEFICIENCY. Identifiers: Orphanet 91131, MedGen C1835849, MONDO:0012556, OMIM 610768.
DOLK-related disorder. Also called: DOLK-related condition.

Allele frequency attached by ClinVar (database versions not stated): gnomAD exomes below 0.00001; TOPMed 0.00002; gnomAD 0.00004.
gnomAD v4.1: 9 of 1,614,046 alleles (0.00056%); highest among the groups gnomAD compares: African/African-American, 0.011%; no homozygotes.

Submissions (2):

PreventionGenetics, part of Exact Sciences
Classification: Uncertain significance for DOLK-related condition. Last evaluated: 2025-08-16. Review status: criteria provided, single submitter. Criteria: ACMG Guidelines, 2015. Collection method: clinical testing. Allele origin: germline.
Comment: The DOLK c.1069C>T variant is predicted to result in the amino acid substitution p.Pro357Ser. To our knowledge, this variant has not been reported in the literature. This variant is reported in 0.023% of alleles in individuals of African descent in gnomAD. At this time, the clinical significance of this variant is uncertain due to the absence of conclusive functional and genetic evidence.

Labcorp Genetics (formerly Invitae), Labcorp
Classification: Uncertain significance for DK1-congenital disorder of glycosylation. Last evaluated: 2021-11-26. Review status: criteria provided, single submitter. Criteria: Invitae Variant Classification Sherloc (09022015). Collection method: clinical testing. Allele origin: germline.
Comment: In summary, the available evidence is currently insufficient to determine the role of this variant in disease. Therefore, it has been classified as a Variant of Uncertain Significance. Algorithms developed to predict the effect of missense changes on protein structure and function (SIFT, PolyPhen-2, Align-GVGD) all suggest that this variant is likely to be tolerated. This variant has not been reported in the literature in individuals affected with DOLK-related conditions. This variant is present in population databases (no rsID available, gnomAD 0.03%). This sequence change replaces proline, which is neutral and non-polar, with serine, which is neutral and polar, at codon 357 of the DOLK protein (p.Pro357Ser).

NM_014908.4(DOLK):c.1069C>T (p.Pro357Ser)

Gene: DOLK (dolichol kinase; minus strand). Cytogenetic location: 9q34.11.
Variant type: single nucleotide variant.
Coding change: c.1069C>T on transcript NM_014908.4 (MANE Select); coding-DNA position 1069, C replaced by T.
Protein change: p.Pro357Ser; replaces proline 357 with serine.
Molecular consequence: missense variant.
Genome position (GRCh38, 1-based): chr9:128,946,235, G>A on the plus strand (C>T on the coding strand, the complement: DOLK is on the minus strand). VCF-style: chr9-128946235-G-A. GRCh37 (hg19) VCF-style: chr9-131708514-G-A.
Other names: c.1069C>T (NM_014908.3); short protein forms P357S.
Identifiers: ClinVar variation 1509290 (VCV001509290.5), dbSNP rs1267588037, ClinGen allele CA375120368.